The following is an entry in ClinVar:

ClinVar aggregate classification (germline): Uncertain significance (1 of 4 stars; one submission).

Conditions:
Cardiovascular phenotype. Identifiers: MedGen CN230736.

Submission:

Ambry Genetics
Classification: Uncertain significance for Cardiovascular phenotype. Last evaluated: 2026-09-07. Review status: criteria provided, single submitter. Criteria: Ambry Variant Classification Scheme 2023. Collection method: clinical testing. Allele origin: germline.
Comment: The p.V492M variant (also known as c.1474G>A), located in coding exon 17 of the CACNA2D1 gene, results from a G to A substitution at nucleotide position 1474. The valine at codon 492 is replaced by methionine, an amino acid with highly similar properties. This amino acid position is conserved. In addition, this alteration is predicted to be tolerated by in silico analysis. Based on the available evidence, the clinical significance of this variant remains unclear.

NM_000722.4(CACNA2D1):c.1474G>A (p.Val492Met)

Gene: CACNA2D1 (calcium voltage-gated channel auxiliary subunit alpha2delta 1; minus strand). Cytogenetic location: 7q21.11.
Variant type: single nucleotide variant.
Coding change: c.1474G>A on transcript NM_000722.4 (MANE Select); coding-DNA position 1474, G replaced by A.
Protein change: p.Val492Met; replaces valine 492 with methionine.
Molecular consequence: missense variant.
Genome position (GRCh38, 1-based): chr7:82,005,806, C>T on the plus strand (G>A on the coding strand, the complement: CACNA2D1 is on the minus strand). VCF-style: chr7-82005806-C-T. GRCh37 (hg19) VCF-style: chr7-81635122-C-T.
Other names: c.1474G>A, p.Val492Met (NM_001366867.1); short protein forms V492M.
Identifiers: ClinVar variation 5033636 (VCV005033636.1).